The following is an entry in ClinVar:

NM_000371.4(TTR):c.377C>T (p.Thr126Ile)

Gene: TTR (transthyretin; plus strand). Cytogenetic location: 18q12.1.
Variant type: single nucleotide variant.
Coding change: c.377C>T on transcript NM_000371.4 (MANE Select); coding-DNA position 377, C replaced by T.
Protein change: p.Thr126Ile; replaces threonine 126 with isoleucine.
Molecular consequence: missense variant.
Genome position (GRCh38, 1-based): chr18:31,598,608, C>T. VCF-style: chr18-31598608-C-T. GRCh37 (hg19) VCF-style: chr18-29178571-C-T.
Other names: short protein forms T126I.
Identifiers: ClinVar variation 4695352 (VCV004695352.1).
Genomic context (GRCh38, chr18:31,598,608, plus strand): 5'-CTGTCTGTCTTCTCTCATAGGTGGTATTCACAGCCAACGACTCCGGCCCCCGCCGCTACA[C>T]CATTGCCGCCCTGCTGAGCCCCTACTCCTATTCCACCACGGCTGTCGTCACCAATCCCAA-3'
Protein context (NP_000362.1, residues 116-136): TANDSGPRRY[Thr126Ile]IAALLSPYSY

ClinVar aggregate classification (germline): Likely pathogenic (1 of 4 stars; one submission).

Conditions:
Amyloidosis, hereditary systemic 1 (AMYLD1). Also called: AMYLOID CARDIOMYOPATHY; Familial amyloid polyneuropathy; Transthyretin Amyloidosis; Hereditary oculoleptomeningeal amyloid angiopathy; Familial Transthyretin Amyloidosis; Hereditary Transthyretin Amyloidosis. Identifiers: Orphanet 85447, Orphanet 85451, MedGen C2751492, MONDO:0971004, OMIM 105210.

gnomAD v4.1: 2 of 1,614,094 alleles (0.00012%); highest among the groups gnomAD compares: Admixed American, 0.0033%; no homozygotes.

Submission:

Labcorp Genetics (formerly Invitae), Labcorp
Classification: Likely pathogenic for Amyloidosis, hereditary systemic 1. Last evaluated: 2025-02-12. Review status: criteria provided, single submitter. Criteria: Invitae Variant Classification Sherloc (09022015). Collection method: clinical testing. Allele origin: germline.
Comment: This sequence change replaces threonine, which is neutral and polar, with isoleucine, which is neutral and non-polar, at codon 126 of the TTR protein (p.Thr126Ile). This variant is not present in population databases (gnomAD no frequency). This variant has not been reported in the literature in individuals affected with TTR-related conditions. Invitae Evidence Modeling of protein sequence and biophysical properties (such as structural, functional, and spatial information, amino acid conservation, physicochemical variation, residue mobility, and thermodynamic stability) indicates that this missense variant is expected to disrupt TTR protein function with a positive predictive value of 95%. This variant disrupts the p.Thr126 amino acid residue in TTR. Other variant(s) that disrupt this residue have been determined to be pathogenic (PMID: 17503405). This suggests that this residue is clinically significant, and that variants that disrupt this residue are likely to be disease-causing. In summary, the currently available evidence indicates that the variant is pathogenic, but additional data are needed to prove that conclusively. Therefore, this variant has been classified as Likely Pathogenic.

Literature cited by the submitters: PubMed 17503405.